The following is an entry in ClinVar:

NM_000077.5(CDKN2A):c.244G>C (p.Val82Leu)

Gene: CDKN2A (cyclin dependent kinase inhibitor 2A; minus strand). Cytogenetic location: 9p21.3.
Variant type: single nucleotide variant.
Coding change: c.244G>C on transcript NM_000077.5; coding-DNA position 244, G replaced by C.
Protein change: p.Val82Leu; replaces valine 82 with leucine.
Molecular consequence: missense variant (on NM_000077.6). On other transcripts: 3 prime UTR variant (1).
Genome position (GRCh38, 1-based): chr9:21,971,115, C>G on the plus strand (G>C on the coding strand, the complement: CDKN2A is on the minus strand). VCF-style: chr9-21971115-C-G. GRCh37 (hg19) VCF-style: chr9-21971114-C-G.
Other names: c.244G>C, p.Val82Leu (NM_000077.6, NM_001195132.2); c.91G>C, p.Val31Leu (NM_001363763.2); c.287G>C, p.Arg96Pro (NM_058195.4); c.*167G>C (NM_058197.5); short protein forms V82L, R96P, V31L.
Identifiers: ClinVar variation 628722 (VCV000628722.9), dbSNP rs1060501269, ClinGen allele CA373086241.

ClinVar aggregate classification (germline): Uncertain significance. Review status: criteria provided, multiple submitters, no conflicts (2 of 4 stars). 3 submissions from 3 submitters: Uncertain significance (3). Last evaluated 2025-08-21.

Conditions:
Hereditary cancer-predisposing syndrome. Also called: Tumor predisposition; Neoplastic Syndromes, Hereditary; Hereditary Cancer Syndrome; Hereditary neoplastic syndrome. Identifiers: Orphanet 140162, MedGen C0027672, MeSH D009386, MONDO:0015356.
Familial melanoma. Also called: Hereditary melanoma; Hereditary cutaneous melanoma. Identifiers: Orphanet 618, MedGen C1512419, MONDO:0018961.

Submissions (3):

Labcorp Genetics (formerly Invitae), Labcorp
Classification: Uncertain significance for Familial melanoma. Last evaluated: 2025-08-21. Review status: criteria provided, single submitter. Criteria: Invitae Variant Classification Sherloc (09022015). Collection method: clinical testing. Allele origin: germline.
Comment: The CDKN2A gene encodes two different proteins, p16INK4a and p14ARF, which are translated from alternative transcripts with different open reading frames. Both transcripts have been analyzed. We report either the variant with the higher classification or default to the CDKN2A (p16INK4a) variant. This report therefore includes the details for the CDKN2A (p16INK4a) variant. This sequence change replaces valine, which is neutral and non-polar, with leucine, which is neutral and non-polar, at codon 82 of the CDKN2A (p16INK4a) protein (p.Val82Leu). This variant is not present in population databases (gnomAD no frequency). This variant has not been reported in the literature in individuals affected with CDKN2A (p16INK4a)-related conditions. This variant is also known as c.287G>C (p.Arg96Pro) in the CDKN2A (p14ARF) transcript. ClinVar contains an entry for this variant (Variation ID: 628722). An algorithm developed to predict the effect of missense changes on protein structure and function (PolyPhen-2) suggests that this variant is likely to be tolerated. In summary, the available evidence is currently insufficient to determine the role of this variant in disease. Therefore, it has been classified as a Variant of Uncertain Significance.

GeneDx
Classification: Uncertain significance. Last evaluated: 2024-10-27. Review status: criteria provided, single submitter. Criteria: GeneDx Variant Classification Process June 2021. Collection method: clinical testing. Allele origin: germline. Affected: yes.
Comment: Not observed at significant frequency in large population cohorts (gnomAD); In silico analysis indicates that this missense variant does not alter protein structure/function; Has not been previously published as pathogenic or benign to our knowledge

Color Diagnostics, LLC DBA Color Health
Classification: Uncertain significance for Hereditary cancer-predisposing syndrome. Last evaluated: 2018-06-22. Review status: criteria provided, single submitter. Criteria: ACMG Guidelines, 2015. Collection method: clinical testing. Allele origin: germline.